The following is an entry in ClinVar:

NM_182493.3(MYLK3):c.1096G>T (p.Ala366Ser)

Gene: MYLK3 (myosin light chain kinase 3; minus strand). Cytogenetic location: 16q11.2.
Variant type: single nucleotide variant.
Coding change: c.1096G>T on transcript NM_182493.3 (MANE Select); coding-DNA position 1096, G replaced by T.
Protein change: p.Ala366Ser; replaces alanine 366 with serine.
Molecular consequence: missense variant.
Genome position (GRCh38, 1-based): chr16:46,732,574, C>A on the plus strand (G>T on the coding strand, the complement: MYLK3 is on the minus strand). VCF-style: chr16-46732574-C-A. GRCh37 (hg19) VCF-style: chr16-46766486-C-A.
Other names: c.73G>T, p.Ala25Ser (NM_001308301.1); short protein forms A25S, A366S.
Identifiers: ClinVar variation 3621366 (VCV003621366.2).
Genomic context (GRCh38, chr16:46,732,574, plus strand): 5'-CAGGGGCTTGGAGGCAGCGCCCGGTCCCAGGTGGGCCCTGCTTGCCTGGCTGGGCAGCTG[C>A]TGGAGCCTCTGTGGTGAGGGTGGGTCCAAGGCTGCCCCTGCCTGTCATCAGCATCTCCCC-3'
Protein context (NP_872299.2, residues 356-376): LGPTLTTEAP[Ala366Ser]AAQPGKQGPP

ClinVar aggregate classification (germline): Uncertain significance (1 of 4 stars; one submission).

gnomAD v4.1: 2 of 1,598,952 alleles (0.00013%); highest among the groups gnomAD compares: Non-Finnish European, 0.00017%; no homozygotes.

Submission:

Labcorp Genetics (formerly Invitae), Labcorp
Classification: Uncertain significance. Last evaluated: 2024-05-22. Review status: criteria provided, single submitter. Criteria: Invitae Variant Classification Sherloc (09022015). Collection method: clinical testing. Allele origin: germline.
Comment: This sequence change replaces alanine, which is neutral and non-polar, with serine, which is neutral and polar, at codon 366 of the MYLK3 protein (p.Ala366Ser). This variant is present in population databases (rs763416838, gnomAD 0.0009%). This variant has not been reported in the literature in individuals affected with MYLK3-related conditions. An algorithm developed to predict the effect of missense changes on protein structure and function (PolyPhen-2) suggests that this variant is likely to be tolerated. In summary, the available evidence is currently insufficient to determine the role of this variant in disease. Therefore, it has been classified as a Variant of Uncertain Significance.